The following is an entry in ClinVar:

ClinVar aggregate classification (germline): Uncertain significance. Review status: criteria provided, multiple submitters, no conflicts (2 of 4 stars). 3 submissions from 3 submitters: Uncertain significance (3). Last evaluated 2024-09-26.

Conditions:
Osteogenesis imperfecta (OI). Identifiers: Orphanet 666, MedGen C0029434, MeSH D010013, MONDO:0019019.

Allele frequency attached by ClinVar (database versions not stated): gnomAD exomes 0.00002 and 0.00012; TOPMed 0.00003; gnomAD 0.00004 and 0.00007; ESP Exome Variant Server 0.00008; ExAC 0.00011; 1000 Genomes Project 0.00060; 1000 Genomes Project 30x 0.00125.
gnomAD v4.1: 46 of 1,614,190 alleles (0.0028%); highest among the groups gnomAD compares: East Asian, 0.085%; no homozygotes.

Submissions (3):

Blueprint Genetics
Classification: Uncertain significance. Last evaluated: 2024-09-26. Review status: criteria provided, single submitter. Criteria: ACMG Guidelines, 2015. Collection method: clinical testing. Allele origin: germline.

Genome Diagnostics Laboratory, The Hospital for Sick Children
Classification: Uncertain significance for Osteogenesis imperfecta. Last evaluated: 2021-10-28. Review status: criteria provided, single submitter. Criteria: ACMG Guidelines, 2015. Collection method: clinical testing. Allele origin: germline.

Labcorp Genetics (formerly Invitae), Labcorp
Classification: Uncertain significance. Last evaluated: 2021-09-17. Review status: criteria provided, single submitter. Criteria: Invitae Variant Classification Sherloc (09022015). Collection method: clinical testing. Allele origin: germline.
Comment: This sequence change replaces arginine with histidine at codon 411 of the BMP1 protein (p.Arg411His). The arginine residue is highly conserved and there is a small physicochemical difference between arginine and histidine. This variant is present in population databases (rs184592914, ExAC 0.1%). This variant has not been reported in the literature in individuals affected with BMP1-related conditions. Algorithms developed to predict the effect of missense changes on protein structure and function (SIFT, PolyPhen-2, Align-GVGD) all suggest that this variant is likely to be disruptive. In summary, the available evidence is currently insufficient to determine the role of this variant in disease. Therefore, it has been classified as a Variant of Uncertain Significance.

NM_006129.5(BMP1):c.1232G>A (p.Arg411His)

Gene: BMP1 (bone morphogenetic protein 1; plus strand). Cytogenetic location: 8p21.3.
Variant type: single nucleotide variant.
Coding change: c.1232G>A on transcript NM_006129.5 (MANE Select); coding-DNA position 1232, G replaced by A.
Protein change: p.Arg411His; replaces arginine 411 with histidine.
Molecular consequence: missense variant. On other transcripts: non-coding transcript variant (2).
Genome position (GRCh38, 1-based): chr8:22,194,109, G>A. VCF-style: chr8-22194109-G-A. GRCh37 (hg19) VCF-style: chr8-22051622-G-A.
Other names: c.1232G>A, p.Arg411His (NM_001199.4); short protein forms R411H.
Identifiers: ClinVar variation 1361738 (VCV001361738.9), dbSNP rs184592914, ClinGen allele CA4664605.